The following is an entry in ClinVar:

NM_006648.4(WNK2):c.5093A>G (p.Glu1698Gly)

Gene: WNK2 (WNK lysine deficient protein kinase 2; plus strand). Cytogenetic location: 9q22.31.
Variant type: single nucleotide variant.
Coding change: c.5093A>G on transcript NM_006648.4 (MANE Select); coding-DNA position 5093, A replaced by G.
Protein change: p.Glu1698Gly; replaces glutamic acid 1698 with glycine.
Molecular consequence: missense variant.
Genome position (GRCh38, 1-based): chr9:93,292,558, A>G. VCF-style: chr9-93292558-A-G. GRCh37 (hg19) VCF-style: chr9-96054840-A-G.
Other names: c.5204A>G, p.Glu1735Gly (NM_001282394.3); short protein forms E1735G, E1698G.
Identifiers: ClinVar variation 3982074 (VCV003982074.1).

ClinVar aggregate classification (germline): Uncertain significance (1 of 4 stars; one submission).

gnomAD v4.1: 1 of 1,570,304 alleles (0.000064%); no homozygotes.

Submission:

Ambry Genetics
Classification: Uncertain significance. Last evaluated: 2025-05-18. Review status: criteria provided, single submitter. Criteria: Ambry Variant Classification Scheme 2023. Collection method: clinical testing. Allele origin: germline.
Comment: The p.E1698G variant (also known as c.5093A>G), located in coding exon 22 of the WNK2 gene, results from an A to G substitution at nucleotide position 5093. The glutamic acid at codon 1698 is replaced by glycine, an amino acid with similar properties. This amino acid position is conserved. In addition, this alteration is predicted to be tolerated by in silico analysis. Based on the available evidence, the clinical significance of this variant remains unclear.